The following is an entry in ClinVar:

NM_001042492.3(NF1):c.1260+4A>T

Gene: NF1 (neurofibromin 1; plus strand). Cytogenetic location: 17q11.2.
Variant type: single nucleotide variant.
Coding change: c.1260+4A>T on transcript NM_001042492.3 (MANE Select); 4 bases into the intron after coding-DNA position 1260, A replaced by T.
Molecular consequence: intron variant.
Genome position (GRCh38, 1-based): chr17:31,201,489, A>T. VCF-style: chr17-31201489-A-T. GRCh37 (hg19) VCF-style: chr17-29528507-A-T.
Other names: c.1260+4A>T (NM_000267.4, NM_001128147.3).
Identifiers: ClinVar variation 952686 (VCV000952686.5), dbSNP rs2066529521, ClinGen allele CA1139665320.

ClinVar aggregate classification (germline): Likely pathogenic (1 of 4 stars; one submission).

Conditions:
Neurofibromatosis, type 1 (NF1). Also called: VON RECKLINGHAUSEN DISEASE; NEUROFIBROMATOSIS, TYPE I, SOMATIC; Peripheral type neurofibromatosis; Neurofibromatosis, type I. Identifiers: Orphanet 636, MedGen C0027831, MONDO:0018975, OMIM 162200. Disease mechanism: loss of function.

Submission:

Labcorp Genetics (formerly Invitae), Labcorp
Classification: Likely pathogenic for Neurofibromatosis, type 1. Last evaluated: 2025-08-21. Review status: criteria provided, single submitter. Criteria: Invitae Variant Classification Sherloc (09022015). Collection method: clinical testing. Allele origin: germline.
Comment: This sequence change falls in intron 11 of the NF1 gene. It does not directly change the encoded amino acid sequence of the NF1 protein. It affects a nucleotide within the consensus splice site. This variant is not present in population databases (gnomAD no frequency). This variant has been observed in individual(s) with clinical features of neurofibromatosis, type 1 (PMID: 31901038; internal data). In at least one individual the variant was observed to be de novo. ClinVar contains an entry for this variant (Variation ID: 952686). Variants that disrupt the consensus splice site are a relatively common cause of aberrant splicing (PMID: 17576681, 9536098). Algorithms developed to predict the effect of sequence changes on RNA splicing suggest that this variant may disrupt the consensus splice site. In summary, the currently available evidence indicates that the variant is pathogenic, but additional data are needed to prove that conclusively. Therefore, this variant has been classified as Likely Pathogenic.

Literature cited by the submitters: PubMed 31901038; PubMed 17576681; PubMed 9536098.